The following is an entry in ClinVar:

ClinVar aggregate classification (germline): Uncertain significance. Review status: criteria provided, multiple submitters, no conflicts (2 of 4 stars). 3 submissions from 3 submitters: Uncertain significance (3). Last evaluated 2024-01-12.

Conditions:
Inborn genetic diseases. Identifiers: MedGen C0950123, MeSH D030342.

Allele frequency attached by ClinVar (database versions not stated): ExAC 0.00001; gnomAD 0.00003 and 0.00004; gnomAD exomes 0.00003 and 0.00005; TOPMed 0.00003; ESP Exome Variant Server 0.00008.
gnomAD v4.1: 78 of 1,585,078 alleles (0.0049%); highest among the groups gnomAD compares: Non-Finnish European, 0.0061%; no homozygotes.

Submissions (3):

Ambry Genetics
Classification: Uncertain significance for Inborn genetic diseases. Last evaluated: 2024-01-12. Review status: criteria provided, single submitter. Criteria: Ambry Variant Classification Scheme 2023. Collection method: clinical testing. Allele origin: germline.

Labcorp Genetics (formerly Invitae), Labcorp
Classification: Uncertain significance. Last evaluated: 2023-12-11. Review status: criteria provided, single submitter. Criteria: Invitae Variant Classification Sherloc (09022015). Collection method: clinical testing. Allele origin: germline.
Comment: This sequence change replaces threonine, which is neutral and polar, with alanine, which is neutral and non-polar, at codon 401 of the COL9A1 protein (p.Thr401Ala). This variant is present in population databases (rs138091050, gnomAD 0.006%). This variant has not been reported in the literature in individuals affected with COL9A1-related conditions. ClinVar contains an entry for this variant (Variation ID: 857669). Advanced modeling of protein sequence and biophysical properties (such as structural, functional, and spatial information, amino acid conservation, physicochemical variation, residue mobility, and thermodynamic stability) performed at Invitae indicates that this missense variant is not expected to disrupt COL9A1 protein function with a negative predictive value of 95%. In summary, the available evidence is currently insufficient to determine the role of this variant in disease. Therefore, it has been classified as a Variant of Uncertain Significance.

Blueprint Genetics
Classification: Uncertain significance. Last evaluated: 2022-10-25. Review status: criteria provided, single submitter. Criteria: ACMG Guidelines, 2015. Collection method: clinical testing. Allele origin: germline.

NM_001851.6(COL9A1):c.1201A>G (p.Thr401Ala)

Gene: COL9A1 (collagen type IX alpha 1 chain; minus strand). Cytogenetic location: 6q13.
Variant type: single nucleotide variant.
Coding change: c.1201A>G on transcript NM_001851.6 (MANE Select); coding-DNA position 1201, A replaced by G.
Protein change: p.Thr401Ala; replaces threonine 401 with alanine.
Molecular consequence: missense variant. On other transcripts: non-coding transcript variant (1).
Genome position (GRCh38, 1-based): chr6:70,269,662, T>C on the plus strand (A>G on the coding strand, the complement: COL9A1 is on the minus strand). VCF-style: chr6-70269662-T-C. GRCh37 (hg19) VCF-style: chr6-70979365-T-C.
Other names: c.472A>G, p.Thr158Ala (NM_001377289.1, NM_001377290.1, NM_078485.4); short protein forms T158A, T401A.
Identifiers: ClinVar variation 857669 (VCV000857669.10), dbSNP rs138091050, ClinGen allele CA3882338.